The following is an entry in ClinVar:

NM_001004334.4(GPR179):c.3132G>C (p.Glu1044Asp)

Gene: GPR179 (G protein-coupled receptor 179; minus strand). Cytogenetic location: 17q12.
Variant type: single nucleotide variant.
Coding change: c.3132G>C on transcript NM_001004334.4 (MANE Select); coding-DNA position 3132, G replaced by C.
Protein change: p.Glu1044Asp; replaces glutamic acid 1044 with aspartic acid.
Molecular consequence: missense variant.
Genome position (GRCh38, 1-based): chr17:38,330,437, C>G on the plus strand (G>C on the coding strand, the complement: GPR179 is on the minus strand). VCF-style: chr17-38330437-C-G. GRCh37 (hg19) VCF-style: chr17-36486320-C-G.
Other names: short protein forms E1044D.
Identifiers: ClinVar variation 1994042 (VCV001994042.4), dbSNP rs768846087, ClinGen allele CA398880609.

ClinVar aggregate classification (germline): Uncertain significance (1 of 4 stars; one submission).

Submission:

Labcorp Genetics (formerly Invitae), Labcorp
Classification: Uncertain significance. Last evaluated: 2022-05-20. Review status: criteria provided, single submitter. Criteria: Invitae Variant Classification Sherloc (09022015). Collection method: clinical testing. Allele origin: germline.
Comment: In summary, the available evidence is currently insufficient to determine the role of this variant in disease. Therefore, it has been classified as a Variant of Uncertain Significance. Algorithms developed to predict the effect of missense changes on protein structure and function output the following: SIFT: "Deleterious"; PolyPhen-2: "Benign"; Align-GVGD: "Class C0". The aspartic acid amino acid residue is found in multiple mammalian species, which suggests that this missense change does not adversely affect protein function. This variant has not been reported in the literature in individuals affected with GPR179-related conditions. This variant is not present in population databases (gnomAD no frequency). This sequence change replaces glutamic acid, which is acidic and polar, with aspartic acid, which is acidic and polar, at codon 1044 of the GPR179 protein (p.Glu1044Asp).